The following is an entry in ClinVar:

ClinVar aggregate classification (germline): Pathogenic/Likely pathogenic. Review status: criteria provided, multiple submitters, no conflicts (2 of 4 stars). 3 submissions from 3 submitters: Pathogenic (1); Likely pathogenic (1). 1 of the submissions does not count toward it. Last evaluated 2024-02-21.

Conditions:
Retinitis pigmentosa 26 (RP26). Identifiers: Orphanet 791, MedGen C1842127, MONDO:0012024, OMIM 608380.
Retinal dystrophy. Also called: Inherited retinal dystrophy. Identifiers: Orphanet 71862, MedGen C0854723, MeSH D058499, MONDO:0019118, HP:0000556.

Submissions (3):

Baylor Genetics
Classification: Likely pathogenic for Retinitis pigmentosa 26. Last evaluated: 2024-02-21. Review status: criteria provided, single submitter. Criteria: ACMG Guidelines, 2015. Collection method: clinical testing. Allele origin: unknown.

Labcorp Genetics (formerly Invitae), Labcorp
Classification: Pathogenic. Last evaluated: 2023-10-14. Review status: criteria provided, single submitter. Criteria: Invitae Variant Classification Sherloc (09022015). Collection method: clinical testing. Allele origin: germline.
Comment: This sequence change creates a premature translational stop signal (p.Leu216Alafs*2) in the CERKL gene. It is expected to result in an absent or disrupted protein product. Loss-of-function variants in CERKL are known to be pathogenic (PMID: 14681825, 23591405, 24043777). This variant is not present in population databases (gnomAD no frequency). This variant has not been reported in the literature in individuals affected with CERKL-related conditions. ClinVar contains an entry for this variant (Variation ID: 935463). Algorithms developed to predict the effect of sequence changes on RNA splicing suggest that this variant may disrupt the consensus splice site. For these reasons, this variant has been classified as Pathogenic.

Institute of Human Genetics, Univ. Regensburg, Univ. Regensburg
Classification: Pathogenic for Retinal dystrophy. Last evaluated: 2021-01-01. Review status: no assertion criteria provided. Criteria: ACMG Guidelines, 2015. Collection method: clinical testing. Allele origin: germline. Affected: yes. Not counted in ClinVar's aggregate classification.

Literature cited by the submitters: PubMed 14681825 (cited by Labcorp Genetics (formerly Invitae), Labcorp); PubMed 23591405 (cited by Labcorp Genetics (formerly Invitae), Labcorp); PubMed 24043777 (cited by Labcorp Genetics (formerly Invitae), Labcorp).

NM_201548.5(CERKL):c.645dup (p.Leu216fs)

Gene: CERKL (CERK like autophagy regulator; minus strand). Cytogenetic location: 2q31.3.
Variant type: Duplication.
Coding change: c.645dup on transcript NM_201548.5 (MANE Select); coding-DNA position 645, one base duplicated (G; older notation c.645dupG).
Protein change: p.Leu216fs; shifts the reading frame from leucine 216.
Molecular consequence: frameshift variant. On other transcripts: intron variant (2).
Genome position (GRCh38, 1-based): chr2:181,566,090, C duplicated on the plus strand (G on the coding strand, the reverse complement: CERKL is on the minus strand). VCF-style (leftmost placement, unchanged base first): chr2-181566089-G-GC. GRCh37 (hg19) VCF-style: chr2-182430816-G-GC.
Other names: c.645dup, p.Leu216fs (NM_001030311.3); c.513dup, p.Leu172fs (NM_001160277.2); c.482-16382dup (NM_001030312.3); c.613+7663dup (NM_001030313.3); short protein forms L172fs, L216fs.
Identifiers: ClinVar variation 935463 (VCV000935463.10), dbSNP rs1688653833, ClinGen allele CA1139657525.